The following is an entry in ClinVar:

NM_003482.4(KMT2D):c.5027C>G (p.Pro1676Arg)

Gene: KMT2D (lysine methyltransferase 2D; minus strand). Cytogenetic location: 12q13.12.
Variant type: single nucleotide variant.
Coding change: c.5027C>G on transcript NM_003482.4 (MANE Select); coding-DNA position 5027, C replaced by G.
Protein change: p.Pro1676Arg; replaces proline 1676 with arginine.
Molecular consequence: missense variant.
Genome position (GRCh38, 1-based): chr12:49,044,459, G>C on the plus strand (C>G on the coding strand, the complement: KMT2D is on the minus strand). VCF-style: chr12-49044459-G-C. GRCh37 (hg19) VCF-style: chr12-49438242-G-C.
Other names: short protein forms P1676R.
Identifiers: ClinVar variation 2989267 (VCV002989267.4), dbSNP rs945302140, ClinGen allele CA236613181.

ClinVar aggregate classification (germline): Uncertain significance. Review status: criteria provided, multiple submitters, no conflicts (2 of 4 stars). 2 submissions from 2 submitters: Uncertain significance (2). Last evaluated 2026-07-22.

Conditions:
KMT2D-related disorder. Also called: KMT2D-Related Disorders.
Kabuki syndrome. Also called: Kabuki make-up syndrome; NIIKAWA-KUROKI SYNDROME. Identifiers: Orphanet 2322, MedGen C0796004, MONDO:0016512.

gnomAD v4.1: 13 of 1,613,960 alleles (0.00081%); highest among the groups gnomAD compares: Non-Finnish European, 0.0011%; no homozygotes.

Submissions (2):

PreventionGenetics, part of Exact Sciences
Classification: Uncertain significance for KMT2D-related condition. Last evaluated: 2026-07-22. Review status: criteria provided, single submitter. Criteria: ACMG Guidelines, 2015. Collection method: clinical testing. Allele origin: germline.
Comment: The KMT2D c.5027C>G variant is predicted to result in the amino acid substitution p.Pro1676Arg. This variant was reported in an individual with congenital heart disease (Sierant et al. 2025. PubMed ID: 40127276). This variant has not been reported in a large population database (gnomAD), indicating this variant is rare. At this time, the clinical significance of this variant is uncertain due to the absence of conclusive functional and genetic evidence.

Labcorp Genetics (formerly Invitae), Labcorp
Classification: Uncertain significance for Kabuki syndrome. Last evaluated: 2025-04-11. Review status: criteria provided, single submitter. Criteria: Invitae Variant Classification Sherloc (09022015). Collection method: clinical testing. Allele origin: germline.
Comment: This sequence change replaces proline, which is neutral and non-polar, with arginine, which is basic and polar, at codon 1676 of the KMT2D protein (p.Pro1676Arg). This variant is not present in population databases (gnomAD no frequency). This variant has not been reported in the literature in individuals affected with KMT2D-related conditions. ClinVar contains an entry for this variant (Variation ID: 2989267). Invitae Evidence Modeling of protein sequence and biophysical properties (such as structural, functional, and spatial information, amino acid conservation, physicochemical variation, residue mobility, and thermodynamic stability) indicates that this missense variant is not expected to disrupt KMT2D protein function with a negative predictive value of 95%. In summary, the available evidence is currently insufficient to determine the role of this variant in disease. Therefore, it has been classified as a Variant of Uncertain Significance.